The following is an entry in ClinVar:

NM_147127.5(EVC2):c.3634delinsGA (p.Leu1212fs)

Gene: EVC2 (EvC ciliary complex subunit 2; minus strand). Cytogenetic location: 4p16.2.
Variant type: Indel.
Coding change: c.3634delinsGA on transcript NM_147127.5 (MANE Select); coding-DNA position 3634, C replaced by GA.
Protein change: p.Leu1212fs; shifts the reading frame from leucine 1212.
Molecular consequence: frameshift variant.
Genome position (GRCh38, 1-based): chr4:5,565,283, G replaced by TC on the plus strand (C replaced by GA on the coding strand, the reverse complement: EVC2 is on the minus strand). VCF-style: chr4-5565283-G-TC. GRCh37 (hg19) VCF-style: chr4-5567010-G-TC.
Other names: c.3394delinsGA, p.Leu1132fs (NM_001166136.2); short protein forms L1212fs, L1132fs.
Identifiers: ClinVar variation 455997 (VCV000455997.1), dbSNP rs1553812417, ClinGen allele CA658657377.

ClinVar aggregate classification (germline): Pathogenic (1 of 4 stars; one submission).

Conditions:
Ellis-van Creveld syndrome (EVC). Also called: MESOECTODERMAL DYSPLASIA; Chondroectodermal dysplasia; EVC-Related Ellis-van Creveld Syndrome; EVC2-Related Ellis-van Creveld Syndrome. Identifiers: Orphanet 289, MedGen C0013903, MONDO:0009162, OMIM 225500.

Submission:

Labcorp Genetics (formerly Invitae), Labcorp
Classification: Pathogenic for Ellis-van Creveld syndrome. Last evaluated: 2017-05-03. Review status: criteria provided, single submitter. Criteria: Invitae Variant Classification Sherloc (09022015). Collection method: clinical testing. Allele origin: germline.
Comment: This sequence change deletes 1 nucleotide and inserts 2 nucleotides in exon 21 of the EVC2 mRNA (c.3634delinsGA), causing a frameshift at codon 1212. This creates a premature translational stop signal in the last exon of the EVC2 mRNA (p.Leu1212Aspfs*53). While this is not anticipated to result in nonsense mediated decay, it is expected to disrupt the last 97 amino acids of the EVC2 protein. This variant is not present in population databases (ExAC no frequency) and has not been reported in the literature in individuals with a EVC2-related disease. A different truncation downstream of this variant (p.Ser1220Argfs*3) has been determined to be pathogenic (PMID: 12571802, 19810119). This suggests that deletion of this region of the EVC2 protein is causative of disease. For these reasons, this variant has been classified as Pathogenic.